The following is an entry in ClinVar:

ClinVar aggregate classification (germline): Likely pathogenic (1 of 4 stars; one submission).

Conditions:
Kabuki syndrome 1 (KABUK1). Also called: KMT2D-Related Kabuki Syndrome. Identifiers: Orphanet 2322, MedGen CN030661, MONDO:0007843, OMIM 147920.

Submission:

3billion
Classification: Likely pathogenic for Kabuki syndrome 1. Last evaluated: 2025-05-19. Review status: criteria provided, single submitter. Criteria: ACMG Guidelines, 2015. Collection method: clinical testing. Allele origin: germline. Affected: yes.
Comment: The variant is not observed in the gnomAD v4.1.0 dataset. Predicted Consequence/Location: Frameshift: predicted to result in a loss or disruption of normal protein function through nonsense-mediated decay (NMD) or protein truncation. Multiple pathogenic variants are reported downstream of the variant. Therefore, this variant is classified as Likely pathogenic according to the recommendation of ACMG/AMP guideline.

NM_003482.4(KMT2D):c.12794del (p.Gly4265fs)

Gene: KMT2D (lysine methyltransferase 2D; minus strand). Cytogenetic location: 12q13.12.
Variant type: Deletion.
Coding change: c.12794del on transcript NM_003482.4 (MANE Select); coding-DNA position 12794, one base deleted (G; older notation c.12794delG).
Protein change: p.Gly4265fs; shifts the reading frame from glycine 4265.
Molecular consequence: frameshift variant.
Genome position (GRCh38, 1-based): chr12:49,031,911, C deleted on the plus strand (G on the coding strand, the reverse complement: KMT2D is on the minus strand); the first of 5 consecutive C bases (chr12:49,031,911-49,031,915); deleting any one gives the same sequence. VCF-style (leftmost placement, unchanged base first): chr12-49031910-GC-G. GRCh37 (hg19) VCF-style: chr12-49425693-GC-G.
Other names: short protein forms G4265fs.
Identifiers: ClinVar variation 4855946 (VCV004855946.1).
Genomic context (GRCh38, chr12:49,031,910, plus strand): 5'-GCCCTGAGGTCGAGGCCCTGCCCCTAGCTCCTGGAGGGGGCCTGTCTGTGGTCCAGGGAA[GC>G]CCCCAAGTTGAGGTTGGCAGCCCAGGAGGCCCTGGAGGGGAGAGGTCTGGGTCCCAGGCT-3'